The following is an entry in ClinVar:

ClinVar aggregate classification (germline): Uncertain significance (1 of 4 stars; one submission).

Allele frequency attached by ClinVar (database versions not stated): gnomAD 0.00001; gnomAD exomes 0.00001; TOPMed 0.00002.
gnomAD v4.1: 8 of 1,613,180 alleles (0.0005%); highest among the groups gnomAD compares: Admixed American, 0.005%; no homozygotes.

Submission:

Labcorp Genetics (formerly Invitae), Labcorp
Classification: Uncertain significance. Last evaluated: 2022-08-07. Review status: criteria provided, single submitter. Criteria: Invitae Variant Classification Sherloc (09022015). Collection method: clinical testing. Allele origin: germline.
Comment: In summary, the available evidence is currently insufficient to determine the role of this variant in disease. Therefore, it has been classified as a Variant of Uncertain Significance. Algorithms developed to predict the effect of sequence changes on RNA splicing suggest that this variant may disrupt the consensus splice site. This variant has not been reported in the literature in individuals affected with HMCN1-related conditions. This variant is present in population databases (no rsID available, gnomAD 0.003%). This sequence change affects an acceptor splice site in intron 86 of the HMCN1 gene. It is expected to disrupt RNA splicing. Variants that disrupt the donor or acceptor splice site typically lead to a loss of protein function (PMID: 16199547), however the current clinical and genetic evidence is not sufficient to establish whether loss-of-function variants in HMCN1 cause disease.

Literature cited by the submitters: PubMed 16199547.

NM_031935.3(HMCN1):c.13313-1G>A

Gene: HMCN1 (hemicentin 1; plus strand). Cytogenetic location: 1q31.1.
Variant type: single nucleotide variant.
Coding change: c.13313-1G>A on transcript NM_031935.3 (MANE Select); the canonical splice acceptor site of the intron before coding-DNA position 13313, G replaced by A.
Molecular consequence: splice acceptor variant.
Genome position (GRCh38, 1-based): chr1:186,136,667, G>A. VCF-style: chr1-186136667-G-A. GRCh37 (hg19) VCF-style: chr1-186105799-G-A.
Identifiers: ClinVar variation 1981727 (VCV001981727.4), dbSNP rs1279427691, ClinGen allele CA343910465.